The following is an entry in ClinVar:

NM_015368.4(PANX1):c.899G>A (p.Arg300Gln)

Gene: PANX1 (pannexin 1; plus strand). Cytogenetic location: 11q21.
Variant type: single nucleotide variant.
Coding change: c.899G>A on transcript NM_015368.4 (MANE Select); coding-DNA position 899, G replaced by A.
Protein change: p.Arg300Gln; replaces arginine 300 with glutamine.
Molecular consequence: missense variant.
Genome position (GRCh38, 1-based): chr11:94,179,955, G>A. VCF-style: chr11-94179955-G-A. GRCh37 (hg19) VCF-style: chr11-93913121-G-A.
Other names: short protein forms R300Q.
Identifiers: ClinVar variation 4821954 (VCV004821954.4).

ClinVar aggregate classification (germline): Uncertain significance (1 of 4 stars; one submission).

gnomAD v4.1: 5 of 1,599,968 alleles (0.00031%); highest among the groups gnomAD compares: East Asian, 0.0022%; no homozygotes.

Submission:

CeGaT Center for Human Genetics Tuebingen
Classification: Uncertain significance. Last evaluated: 2026-01-01. Review status: criteria provided, single submitter. Criteria: CeGaT Center For Human Genetics Tuebingen Variant Classification Criteria Version 2. Collection method: clinical testing. Allele origin: germline. Affected: yes. Observed: 1 variant allele.
Comment: PANX1: PM2:Supporting, PS3:Supporting, PS4:Supporting, BP4